The following is an entry in ClinVar:

NM_006013.5(RPL10):c.-24+10C>T

Genes: RPL10 (ribosomal protein L10; plus strand), LOC130068867 (ATAC-STARR-seq lymphoblastoid active region 30060; plus strand). Cytogenetic location: Xq28.
Variant type: single nucleotide variant.
Coding change: c.-24+10C>T on transcript NM_006013.5 (MANE Select); 10 bases into the intron after 24 bases upstream of the start codon, C replaced by T.
Molecular consequence: intron variant. On other transcripts: 5 prime UTR variant (1).
Genome position (GRCh38, 1-based): chrX:154,398,404, C>T. VCF-style: chrX-154398404-C-T. GRCh37 (hg19) VCF-style: chrX-153626745-C-T.
Other names: c.-116C>T (NM_001303624.2); c.-24+6C>T (NM_001303625.1); c.-24+10C>T (NM_001256577.2, NM_001256580.2).
Identifiers: ClinVar variation 4872516 (VCV004872516.2).

ClinVar aggregate classification (germline): Likely benign (1 of 4 stars; one submission).

gnomAD v4.1: 83 of 926,438 alleles (0.009%); highest among the groups gnomAD compares: African/African-American, 0.035%; no homozygotes.

Submission:

CeGaT Center for Human Genetics Tuebingen
Classification: Likely benign. Last evaluated: 2026-06-01. Review status: criteria provided, single submitter. Criteria: CeGaT Center For Human Genetics Tuebingen Variant Classification Criteria Version 2. Collection method: clinical testing. Allele origin: germline. Affected: yes. Observed: 1 variant allele.
Comment: RPL10: BS2